The following is an entry in ClinVar:

NM_018489.3(ASH1L):c.4224_4225del (p.Tyr1409fs)

Gene: ASH1L (ASH1 like histone lysine methyltransferase; minus strand). Cytogenetic location: 1q22.
Variant type: Deletion.
Coding change: c.4224_4225del on transcript NM_018489.3 (MANE Select); coding-DNA positions 4224 to 4225, 2 bases deleted (TT; older notation c.4224_4225delTT).
Protein change: p.Tyr1409fs; shifts the reading frame from tyrosine 1409.
Molecular consequence: frameshift variant.
Genome position (GRCh38, 1-based): chr1:155,478,645-155,478,646, AA deleted on the plus strand (TT on the coding strand, the reverse complement: ASH1L is on the minus strand); deleting any 2 consecutive bases within chr1:155,478,645-155,478,647 gives the same sequence; the c. name uses the placement nearest the transcript's 3' end. VCF-style (leftmost placement, unchanged base first): chr1-155478644-TAA-T. GRCh37 (hg19) VCF-style: chr1-155448435-TAA-T.
Other names: c.4224_4225del, p.Tyr1409fs (NM_001366177.2); c.4224_4225delTT (NM_018489.2); short protein forms Y1409fs.
Identifiers: ClinVar variation 817414 (VCV000817414.4), dbSNP rs1570934766, ClinGen allele CA645532387.

ClinVar aggregate classification (germline): Pathogenic (1 of 4 stars; one submission).

Conditions:
ASH1L-related disorder. Also called: ASH1L-related condition.

Submission:

GeneDx
Classification: Pathogenic. Last evaluated: 2020-04-10. Review status: criteria provided, single submitter. Criteria: GeneDx Variant Classification Process June 2021. Collection method: clinical testing. Allele origin: germline. Affected: yes.
Comment: Frameshift variant predicted to result in protein truncation or nonsense mediated decay in a gene for which loss-of-function is a known mechanism of disease; Not observed in large population cohorts (Lek et al., 2016); Has not been previously published as pathogenic or benign to our knowledge